The following is an entry in ClinVar:

ClinVar aggregate classification (germline): Uncertain significance. Review status: criteria provided, multiple submitters, no conflicts (2 of 4 stars). 3 submissions from 3 submitters: Uncertain significance (3). Last evaluated 2024-09-06.

Conditions:
Cardiovascular phenotype. Identifiers: MedGen CN230736.
Dilated cardiomyopathy 1G (CMD1G). Identifiers: Orphanet 154, MedGen C1858763, MONDO:0011400, OMIM 604145.
Autosomal recessive limb-girdle muscular dystrophy type 2J (LGMDR10). Also called: Limb-girdle muscular dystrophy, type 2J; MUSCULAR DYSTROPHY, LIMB-GIRDLE, AUTOSOMAL RECESSIVE 10. Identifiers: Orphanet 140922, MedGen C1837342, MONDO:0012127, OMIM 608807.

Allele frequency attached by ClinVar (database versions not stated): TOPMed below 0.00001; gnomAD 0.00001; gnomAD exomes 0.00001.
gnomAD v4.1: 9 of 1,613,784 alleles (0.00056%); highest among the groups gnomAD compares: Non-Finnish European, 0.00076%; no homozygotes.

Submissions (3):

Labcorp Genetics (formerly Invitae), Labcorp
Classification: Uncertain significance for Dilated cardiomyopathy 1G; Autosomal recessive limb-girdle muscular dystrophy type 2J. Last evaluated: 2024-09-06. Review status: criteria provided, single submitter. Criteria: Invitae Variant Classification Sherloc (09022015). Collection method: clinical testing. Allele origin: germline.
Comment: This sequence change replaces glycine, which is neutral and non-polar, with arginine, which is basic and polar, at codon 34140 of the TTN protein (p.Gly34140Arg). This variant is not present in population databases (gnomAD no frequency). This variant has not been reported in the literature in individuals affected with TTN-related conditions. ClinVar contains an entry for this variant (Variation ID: 1693034). Experimental studies and prediction algorithms are not available or were not evaluated, and the functional significance of this variant is currently unknown. This variant is located in the M band of TTN (PMID: 25589632). Non-truncating variants in this region may be relevant for neuromuscular disorders, but have not been definitively shown to cause cardiomyopathy (PMID: 23975875). In summary, the available evidence is currently insufficient to determine the role of this variant in disease. Therefore, it has been classified as a Variant of Uncertain Significance.

GeneDx
Classification: Uncertain significance. Last evaluated: 2022-06-23. Review status: criteria provided, single submitter. Criteria: GeneDx Variant Classification Process June 2021. Collection method: clinical testing. Allele origin: germline. Affected: yes.
Comment: Not observed at significant frequency in large population cohorts (gnomAD); Missense variant in a gene in which most reported pathogenic variants are truncating/loss-of-function; Has not been previously published as pathogenic or benign to our knowledge; This variant is associated with the following publications: (PMID: 23975875)

Ambry Genetics
Classification: Uncertain significance for Cardiovascular phenotype. Last evaluated: 2019-10-17. Review status: criteria provided, single submitter. Criteria: Ambry Variant Classification Scheme 2023. Collection method: clinical testing. Allele origin: germline.
Comment: The p.G25075R variant (also known as c.75223G>A), located in coding exon 185 of the TTN gene, results from a G to A substitution at nucleotide position 75223. The glycine at codon 25075 is replaced by arginine, an amino acid with dissimilar properties. This amino acid position is highly conserved in available vertebrate species. In addition, the in silico prediction for this alteration is inconclusive. Since supporting evidence is limited at this time, the clinical significance of this alteration remains unclear.

Literature cited by the submitters: PubMed 25589632 (cited by Labcorp Genetics (formerly Invitae), Labcorp); PubMed 23975875 (cited by Labcorp Genetics (formerly Invitae), Labcorp).

NM_001267550.2(TTN):c.102418G>A (p.Gly34140Arg)

Genes: TTN (titin; minus strand), TTN-AS1 (TTN antisense RNA 1; plus strand). Cytogenetic location: 2q31.2.
Variant type: single nucleotide variant.
Coding change: c.102418G>A on transcript NM_001267550.2 (MANE Select); coding-DNA position 102418, G replaced by A.
Protein change: p.Gly34140Arg; replaces glycine 34140 with arginine.
Molecular consequence: missense variant.
Genome position (GRCh38, 1-based): chr2:178,534,197, C>T on the plus strand (G>A on the coding strand, the complement: TTN is on the minus strand). VCF-style: chr2-178534197-C-T. GRCh37 (hg19) VCF-style: chr2-179398924-C-T.
Other names: c.97495G>A, p.Gly32499Arg (NM_001256850.1); c.75223G>A, p.Gly25075Arg (NM_003319.4); c.94714G>A, p.Gly31572Arg (NM_133378.4); c.75598G>A, p.Gly25200Arg (NM_133432.3); c.75799G>A, p.Gly25267Arg (NM_133437.4); short protein forms G25075R, G25200R, G25267R, G31572R, G32499R, G34140R.
Identifiers: ClinVar variation 1693034 (VCV001693034.6), dbSNP rs1294610003, ClinGen allele CA349417600.
Genomic context (GRCh38, chr2:178,534,197, plus strand): 5'-CAATTTTGCATACATATTTGACATGTCCTCCTTCTTCACCAACTGCATGCATTATCTGCC[C>T]AGAAACTGGGCCAATTTCAATGGATGCCACTTTAACTTTAGCAACACTCACTCCCTTCTG-3'
Protein context (NP_001254479.2, residues 34130-34150): VASIEIGPVS[Gly34140Arg]QIMHAVGEEG